The following is an entry in ClinVar:

NM_032578.4(MYPN):c.2265G>C (p.Gln755His)

Gene: MYPN (myopalladin; plus strand). Cytogenetic location: 10q21.3.
Variant type: single nucleotide variant.
Coding change: c.2265G>C on transcript NM_032578.4 (MANE Select); coding-DNA position 2265, G replaced by C.
Protein change: p.Gln755His; replaces glutamine 755 with histidine.
Molecular consequence: missense variant. On other transcripts: non-coding transcript variant (2).
Genome position (GRCh38, 1-based): chr10:68,174,357, G>C. VCF-style: chr10-68174357-G-C. GRCh37 (hg19) VCF-style: chr10-69934114-G-C.
Other names: c.2265G>C, p.Gln755His (NM_001256267.2); c.1383G>C, p.Gln461His (NM_001256268.2); short protein forms Q461H, Q755H.
Identifiers: ClinVar variation 840702 (VCV000840702.8), dbSNP rs2043192248, ClinGen allele CA376845829.
Genomic context (GRCh38, chr10:68,174,357, plus strand): 5'-AACTGTGGCCCCTTCCAGCTCTCCGGTGTTCACTTTGAGCAGCACTCCTCAAACTATTCA[G>C]AGGACAGTGAGCAAAGAAAGCCTCTTAGTGTCTCACCCCTCTGTGCAAACCAAATCTCCA-3'
Protein context (NP_115967.2, residues 745-765): FTLSSTPQTI[Gln755His]RTVSKESLLV

ClinVar aggregate classification (germline): Uncertain significance (1 of 4 stars; one submission).

Conditions:
Dilated cardiomyopathy 1KK (CMD1KK). Identifiers: Orphanet 154, Orphanet 75249, MedGen C3714995, MONDO:0014100, OMIM 615248.

gnomAD v4.1: 1 of 1,614,106 alleles (0.000062%); highest among the groups gnomAD compares: Non-Finnish European, 0.000085%; no homozygotes.

Submission:

Labcorp Genetics (formerly Invitae), Labcorp
Classification: Uncertain significance for Dilated cardiomyopathy 1KK. Last evaluated: 2023-10-03. Review status: criteria provided, single submitter. Criteria: Invitae Variant Classification Sherloc (09022015). Collection method: clinical testing. Allele origin: germline.
Comment: This sequence change replaces glutamine, which is neutral and polar, with histidine, which is basic and polar, at codon 755 of the MYPN protein (p.Gln755His). This variant is not present in population databases (gnomAD no frequency). This variant has not been reported in the literature in individuals affected with MYPN-related conditions. ClinVar contains an entry for this variant (Variation ID: 840702). An algorithm developed to predict the effect of missense changes on protein structure and function (PolyPhen-2) suggests that this variant is likely to be tolerated. In summary, the available evidence is currently insufficient to determine the role of this variant in disease. Therefore, it has been classified as a Variant of Uncertain Significance.